The following is an entry in ClinVar:

ClinVar aggregate classification (germline): Uncertain significance. Review status: criteria provided, multiple submitters, no conflicts (2 of 4 stars). 2 submissions from 2 submitters: Uncertain significance (2). Last evaluated 2024-12-08.

Allele frequency attached by ClinVar (database versions not stated): ExAC 0.00001; TOPMed 0.00001.

Submissions (2):

Ambry Genetics
Classification: Uncertain significance. Last evaluated: 2024-12-08. Review status: criteria provided, single submitter. Criteria: Ambry Variant Classification Scheme 2023. Collection method: clinical testing. Allele origin: germline.
Comment: The p.L118F variant (also known as c.352C>T), located in coding exon 3 of the GEN1 gene, results from a C to T substitution at nucleotide position 352. The leucine at codon 118 is replaced by phenylalanine, an amino acid with highly similar properties. This amino acid position is conserved. In addition, this alteration is predicted to be tolerated by in silico analysis. Based on the available evidence, the clinical significance of this variant remains unclear.

Labcorp Genetics (formerly Invitae), Labcorp
Classification: Uncertain significance. Last evaluated: 2022-03-12. Review status: criteria provided, single submitter. Criteria: Invitae Variant Classification Sherloc (09022015). Collection method: clinical testing. Allele origin: germline.
Comment: This sequence change replaces leucine, which is neutral and non-polar, with phenylalanine, which is neutral and non-polar, at codon 118 of the GEN1 protein (p.Leu118Phe). Algorithms developed to predict the effect of missense changes on protein structure and function are either unavailable or do not agree on the potential impact of this missense change (SIFT: "Tolerated"; PolyPhen-2: "Probably Damaging"; Align-GVGD: "Class C0"). In summary, the available evidence is currently insufficient to determine the role of this variant in disease. Therefore, it has been classified as a Variant of Uncertain Significance. This variant has not been reported in the literature in individuals affected with GEN1-related conditions. This variant is present in population databases (rs760365006, gnomAD 0.0009%).

NM_001130009.3(GEN1):c.352C>T (p.Leu118Phe)

Gene: GEN1 (GEN1 structure-specific endonuclease; plus strand). Cytogenetic location: 2p24.2.
Variant type: single nucleotide variant.
Coding change: c.352C>T on transcript NM_001130009.3 (MANE Select); coding-DNA position 352, C replaced by T.
Protein change: p.Leu118Phe; replaces leucine 118 with phenylalanine.
Molecular consequence: missense variant.
Genome position (GRCh38, 1-based): chr2:17,764,900, C>T. VCF-style: chr2-17764900-C-T. GRCh37 (hg19) VCF-style: chr2-17946167-C-T.
Other names: c.352C>T, p.Leu118Phe (NM_182625.5); c.352C>T (NM_001130009.1); short protein forms L118F.
Identifiers: ClinVar variation 2414200 (VCV002414200.6), dbSNP rs760365006, ClinGen allele CA1540403.